The following is an entry in ClinVar:

NM_006593.4(TBR1):c.1881C>T (p.Ser627=)

Gene: TBR1 (T-box brain transcription factor 1; plus strand). Cytogenetic location: 2q24.2.
Variant type: single nucleotide variant.
Coding change: c.1881C>T on transcript NM_006593.4 (MANE Select); coding-DNA position 1881, C replaced by T.
Protein change: p.Ser627=; no amino-acid change (serine 627 retained).
Molecular consequence: synonymous variant.
Genome position (GRCh38, 1-based): chr2:161,424,059, C>T. VCF-style: chr2-161424059-C-T. GRCh37 (hg19) VCF-style: chr2-162280570-C-T.
Identifiers: ClinVar variation 3251188 (VCV003251188.18), dbSNP rs1488163166.

ClinVar aggregate classification (germline): Likely benign (1 of 4 stars; one submission).

Submission:

CeGaT Center for Human Genetics Tuebingen
Classification: Likely benign. Last evaluated: 2024-07-01. Review status: criteria provided, single submitter. Criteria: CeGaT Center For Human Genetics Tuebingen Variant Classification Criteria Version 2. Collection method: clinical testing. Allele origin: germline. Affected: yes. Observed: 1 variant allele.
Comment: TBR1: PM2:Supporting, BP4, BP7